The following is an entry in ClinVar:

NM_002049.4(GATA1):c.163G>A (p.Ala55Thr)

Gene: GATA1 (GATA binding protein 1; plus strand). Cytogenetic location: Xp11.23.
Variant type: single nucleotide variant.
Coding change: c.163G>A on transcript NM_002049.4 (MANE Select); coding-DNA position 163, G replaced by A.
Protein change: p.Ala55Thr; replaces alanine 55 with threonine.
Molecular consequence: missense variant.
Genome position (GRCh38, 1-based): chrX:48,791,272, G>A. VCF-style: chrX-48791272-G-A. GRCh37 (hg19) VCF-style: chrX-48649679-G-A.
Other names: short protein forms A55T.
Identifiers: ClinVar variation 134462 (VCV000134462.17), dbSNP rs150572851, ClinGen allele CA159883.

ClinVar aggregate classification (germline): Benign/Likely benign. Review status: criteria provided, multiple submitters, no conflicts (2 of 4 stars). 6 submissions from 6 submitters: Benign (1); Likely benign (1). 4 of the submissions do not count toward it. Last evaluated 2026-01-26.

Conditions:
GATA1-related disorder. Also called: GATA1-related condition.
Diamond-Blackfan anemia. Also called: Blackfan Diamond syndrome; Aregenerative anemia chronic congenital; Red cell aplasia, pure hereditary; Congenital hypoplastic anemia; Aase syndrome. Identifiers: Orphanet 124, MedGen C1260899, MeSH D029503, MONDO:0015253, HP:0004810.
GATA binding protein 1 related thrombocytopenia with dyserythropoiesis. Also called: GATA1-Related Cytopenia; GATA1-Related X-Linked Cytopenia. Identifiers: MedGen C1845837, MONDO:0100089.

Allele frequency attached by ClinVar (database versions not stated): gnomAD 0.00016 and 0.00018; TOPMed 0.00017; 1000 Genomes Project 30x 0.00021; gnomAD exomes 0.00022 and 0.00032; 1000 Genomes Project 0.00026; ExAC 0.00036; ESP Exome Variant Server 0.00038.
gnomAD v4.1: 260 of 1,205,296 alleles (0.022%); highest among the groups gnomAD compares: South Asian, 0.25%; 2 homozygotes.

Submissions (6):

Labcorp Genetics (formerly Invitae), Labcorp
Classification: Benign for GATA binding protein 1 related thrombocytopenia with dyserythropoiesis; Diamond-Blackfan anemia. Last evaluated: 2026-01-26. Review status: criteria provided, single submitter. Criteria: Invitae Variant Classification Sherloc (09022015). Collection method: clinical testing. Allele origin: germline.

Blueprint Genetics
Classification: Likely benign. Last evaluated: 2024-11-13. Review status: criteria provided, single submitter. Criteria: ACMG Guidelines, 2015. Collection method: clinical testing. Allele origin: germline.

PreventionGenetics, part of Exact Sciences
Classification: Likely benign for GATA1-related condition. Last evaluated: 2023-03-14. Review status: no assertion criteria provided. Collection method: clinical testing. Allele origin: germline. Not counted in ClinVar's aggregate classification.
Comment: This variant is classified as likely benign based on ACMG/AMP sequence variant interpretation guidelines (Richards et al. 2015 PMID: 25741868, with internal and published modifications).

ITMI
No classification provided. Condition: AllHighlyPenetrant. Last evaluated: 2013-09-19. Review status: no classification provided. Collection method: reference population. Allele origin: germline. Not counted in ClinVar's aggregate classification.
Comment: Please see associated publication for description of ethnicities

Clinical Genetics DNA and cytogenetics Diagnostics Lab, Erasmus MC, Erasmus Medical Center
Classification: Likely benign. Review status: no assertion criteria provided. Collection method: clinical testing. Allele origin: germline. Affected: yes. Study: VKGL Data-share Consensus. Not counted in ClinVar's aggregate classification.

Genome Diagnostics Laboratory, University Medical Center Utrecht
Classification: Likely benign. Review status: no assertion criteria provided. Collection method: clinical testing. Allele origin: germline. Affected: yes. Study: VKGL Data-share Consensus. Not counted in ClinVar's aggregate classification.

Literature cited by the submitters: PubMed 24728327 (cited by ITMI).